The following is an entry in ClinVar:

ClinVar aggregate classification (germline): Uncertain significance. Review status: criteria provided, multiple submitters, no conflicts (2 of 4 stars). 2 submissions from 2 submitters: Uncertain significance (2). Last evaluated 2025-10-12.

Conditions:
Nephronophthisis 15 (NPHP15). Identifiers: Orphanet 3156, MedGen C3541853, MONDO:0013917, OMIM 614845.

Allele frequency attached by ClinVar (database versions not stated): gnomAD 0.00001; gnomAD exomes 0.00001 and 0.00003; ExAC 0.00003; TOPMed 0.00003.
gnomAD v4.1: 19 of 1,614,002 alleles (0.0012%); highest among the groups gnomAD compares: South Asian, 0.0099%; no homozygotes.

Submissions (2):

Labcorp Genetics (formerly Invitae), Labcorp
Classification: Uncertain significance for Nephronophthisis 15. Last evaluated: 2025-10-12. Review status: criteria provided, single submitter. Criteria: Invitae Variant Classification Sherloc (09022015). Collection method: clinical testing. Allele origin: germline.
Comment: This sequence change replaces arginine, which is basic and polar, with glutamine, which is neutral and polar, at codon 1392 of the CEP164 protein (p.Arg1392Gln). This variant is present in population databases (rs772989312, gnomAD 0.02%). This variant has not been reported in the literature in individuals affected with CEP164-related conditions. ClinVar contains an entry for this variant (Variation ID: 858980). Invitae Evidence Modeling of protein sequence and biophysical properties (such as structural, functional, and spatial information, amino acid conservation, physicochemical variation, residue mobility, and thermodynamic stability) indicates that this missense variant is not expected to disrupt CEP164 protein function with a negative predictive value of 80%. In summary, the available evidence is currently insufficient to determine the role of this variant in disease. Therefore, it has been classified as a Variant of Uncertain Significance.

Fulgent Genetics
Classification: Uncertain significance for Nephronophthisis 15. Last evaluated: 2024-04-01. Review status: criteria provided, single submitter. Criteria: ACMG Guidelines, 2015. Collection method: clinical testing. Allele origin: germline.

NM_014956.5(CEP164):c.4175G>A (p.Arg1392Gln)

Gene: CEP164 (centrosomal protein 164; plus strand). Cytogenetic location: 11q23.3.
Variant type: single nucleotide variant.
Coding change: c.4175G>A on transcript NM_014956.5 (MANE Select); coding-DNA position 4175, G replaced by A.
Protein change: p.Arg1392Gln; replaces arginine 1392 with glutamine.
Molecular consequence: missense variant.
Genome position (GRCh38, 1-based): chr11:117,411,806, G>A. VCF-style: chr11-117411806-G-A. GRCh37 (hg19) VCF-style: chr11-117282522-G-A.
Other names: c.4160G>A, p.Arg1387Gln (NM_001271933.2); short protein forms R1387Q, R1392Q.
Identifiers: ClinVar variation 858980 (VCV000858980.9), dbSNP rs772989312, ClinGen allele CA6295751.